The following is an entry in ClinVar:

NM_001360016.2(G6PD):c.251G>A (p.Ser84Asn)

Gene: G6PD (glucose-6-phosphate dehydrogenase; minus strand). Cytogenetic location: Xq28.
Variant type: single nucleotide variant.
Coding change: c.251G>A on transcript NM_001360016.2 (MANE Select); coding-DNA position 251, G replaced by A.
Protein change: p.Ser84Asn; replaces serine 84 with asparagine.
Molecular consequence: missense variant.
Genome position (GRCh38, 1-based): chrX:154,535,953, C>T on the plus strand (G>A on the coding strand, the complement: G6PD is on the minus strand). VCF-style: chrX-154535953-C-T. GRCh37 (hg19) VCF-style: chrX-153764168-C-T.
Other names: c.341G>A, p.Ser114Asn (NM_000402.4); c.251G>A, p.Ser84Asn (NM_001042351.3); short protein forms S114N, S84N.
Identifiers: ClinVar variation 1425144 (VCV001425144.6), dbSNP rs141830127, ClinGen allele CA10566294.

ClinVar aggregate classification (germline): Uncertain significance (1 of 4 stars; one submission).

Conditions:
Anemia, nonspherocytic hemolytic, due to G6PD deficiency (CNSHA1). Also called: Class I glucose-6-phosphate dehydrogenase deficiency; Favism, susceptibility to; Hemolytic anemia due to G6PD deficiency; ANEMIA, CONGENITAL, NONSPHEROCYTIC HEMOLYTIC, 1. Identifiers: Orphanet 466026, MedGen C2720289, MONDO:0010480, OMIM 300908.

Allele frequency attached by ClinVar (database versions not stated): gnomAD exomes below 0.00001 and 0.00001; ExAC 0.00001; ESP Exome Variant Server 0.00009.
gnomAD v4.1: 3 of 1,211,036 alleles (0.00025%); highest among the groups gnomAD compares: Non-Finnish European, 0.00034%; no homozygotes.

Submission:

Labcorp Genetics (formerly Invitae), Labcorp
Classification: Uncertain significance for Anemia, nonspherocytic hemolytic, due to G6PD deficiency. Last evaluated: 2023-08-04. Review status: criteria provided, single submitter. Criteria: Invitae Variant Classification Sherloc (09022015). Collection method: clinical testing. Allele origin: germline.
Comment: This sequence change replaces serine, which is neutral and polar, with asparagine, which is neutral and polar, at codon 84 of the G6PD protein (p.Ser84Asn). This variant is present in population databases (rs141830127, gnomAD 0.001%). This variant has not been reported in the literature in individuals affected with G6PD-related conditions. ClinVar contains an entry for this variant (Variation ID: 1425144). Advanced modeling of protein sequence and biophysical properties (such as structural, functional, and spatial information, amino acid conservation, physicochemical variation, residue mobility, and thermodynamic stability) performed at Invitae indicates that this missense variant is expected to disrupt G6PD protein function. Algorithms developed to predict the effect of sequence changes on RNA splicing suggest that this variant may disrupt the consensus splice site. In summary, the available evidence is currently insufficient to determine the role of this variant in disease. Therefore, it has been classified as a Variant of Uncertain Significance.